The following is an entry in ClinVar:

ClinVar aggregate classification (germline): Conflicting classifications of pathogenicity. Review status: criteria provided, conflicting classifications (1 of 4 stars). 8 submissions from 7 submitters: Uncertain significance (4); Benign (1); Likely benign (3). Last evaluated 2025-11-08.

Conditions:
ROR2-related disorder. Also called: ROR2-related disorders; ROR2-related condition.
Inborn genetic diseases. Identifiers: MedGen C0950123, MeSH D030342.
Brachydactyly type B1 (BDB1). Identifiers: Orphanet 572385, Orphanet 93383, MedGen C1862112, MONDO:0007220, OMIM 113000.
Autosomal recessive Robinow syndrome (RRS1). Also called: COSTOVERTEBRAL SEGMENTATION DEFECT WITH MESOMELIA; COVESDEM SYNDROME; ROR2-Related Robinow Syndrome; ROBINOW SYNDROME, AUTOSOMAL RECESSIVE 1. Identifiers: Orphanet 1507, Orphanet 97360, MedGen C5399974, MONDO:0009999, OMIM 268310.

Allele frequency attached by ClinVar (database versions not stated): gnomAD exomes 0.00019 and 0.00034; ExAC 0.00042; ESP Exome Variant Server 0.00046; 1000 Genomes Project 30x 0.00078; 1000 Genomes Project 0.00080; gnomAD 0.00102 and 0.00108; TOPMed 0.00112.

Submissions (8):

Labcorp Genetics (formerly Invitae), Labcorp
Classification: Likely benign. Last evaluated: 2025-11-08. Review status: criteria provided, single submitter. Criteria: Invitae Variant Classification Sherloc (09022015). Collection method: clinical testing. Allele origin: germline.

Women's Health and Genetics/Laboratory Corporation of America, LabCorp
Classification: Likely benign. Last evaluated: 2025-05-08. Review status: criteria provided, single submitter. Criteria: LabCorp Variant Classification Summary - May 2015. Collection method: clinical testing. Allele origin: germline.
Comment: Variant summary: ROR2 c.1583G>A (p.Arg528Gln) results in a conservative amino acid change in the encoded protein sequence. Algorithms developed to predict the effect of missense changes on protein structure and function are either unavailable or do not agree on the potential impact of this missense change. The variant allele was found at a frequency of 0.00034 in 250074 control chromosomes, predominantly at a frequency of 0.0029 within the African or African-American subpopulation in the gnomAD database. The observed variant frequency within African or African-American control individuals in the gnomAD database exceeds the estimated maximal expected allele frequency for a pathogenic variant in ROR2 causing Brachydactyly Type B1 phenotype. c.1583G>A has been observed in a heterozygous individual affected with Robinow Syndrome Patient (Aglan_2015). These report(s) do not provide unequivocal conclusions about association of the variant with Brachydactyly Type B1. To our knowledge, no experimental evidence demonstrating an impact on protein function has been reported. The following publication has been ascertained in the context of this evaluation (PMID: 26284319). ClinVar contains an entry for this variant (Variation ID: 499909). Based on the evidence outlined above, the variant was classified as likely benign.

PreventionGenetics, part of Exact Sciences
Classification: Uncertain significance for ROR2-related condition. Last evaluated: 2025-02-05. Review status: criteria provided, single submitter. Criteria: ACMG Guidelines, 2015. Collection method: clinical testing. Allele origin: germline.
Comment: The ROR2 c.1583G>A variant is predicted to result in the amino acid substitution p.Arg528Gln. This variant in the heterozygous state has been reported in an individual with Robinow syndrome, autosomal recessive (Aglan et al 2015. PubMed ID: 26284319). This variant is reported in 0.31% of alleles in individuals of African descent in gnomAD. This variant could be benign. At this time, the clinical significance of this variant is uncertain due to the absence of conclusive functional and genetic evidence.

Ambry Genetics
Classification: Likely benign for Inborn genetic diseases. Last evaluated: 2022-02-25. Review status: criteria provided, single submitter. Criteria: Ambry Variant Classification Scheme 2023. Collection method: clinical testing. Allele origin: germline.

GeneDx
Classification: Uncertain significance. Last evaluated: 2020-02-28. Review status: criteria provided, single submitter. Criteria: GeneDx Variant Classification Process June 2021. Collection method: clinical testing. Allele origin: germline. Affected: yes.
Comment: Observed heterozygous with no other ROR2 variant in a patient with mild Robinow syndrome (Aglan et al., 2015); In silico analysis supports that this missense variant does not alter protein structure/function; This variant is associated with the following publications: (PMID: 26284319)

Illumina Laboratory Services, Illumina
Classification: Uncertain significance for Autosomal recessive Robinow syndrome. Last evaluated: 2017-08-24. Review status: criteria provided, single submitter. Criteria: ICSL Variant Classification Criteria 13 December 2019. Collection method: clinical testing. Allele origin: germline.
Comment: This variant was observed as part of a predisposition screen in an ostensibly healthy population. A literature search was performed for the gene, cDNA change, and amino acid change (where applicable). Publications were found based on this search. However, the evidence from the literature, in combination with allele frequency data from public databases where available, was not sufficient to rule this variant in or out of causing disease. Therefore, this variant is classified as a variant of unknown significance.

Illumina Laboratory Services, Illumina
Classification: Benign for Brachydactyly type B1. Last evaluated: 2017-08-24. Review status: criteria provided, single submitter. Criteria: ICSL Variant Classification Criteria 13 December 2019. Collection method: clinical testing. Allele origin: germline.
Comment: This variant was observed as part of a predisposition screen in an ostensibly healthy population. A literature search was performed for the gene, cDNA change, and amino acid change (where applicable). No publications were found based on this search. Allele frequency data from public databases was too high to be consistent with this variant causing disease. Therefore, this variant is classified as benign.

Eurofins Ntd Llc (ga)
Classification: Uncertain significance. Last evaluated: 2017-02-15. Review status: criteria provided, single submitter. Criteria: EGL Classification Definitions 2015. Collection method: clinical testing. Allele origin: germline. Observed: 1 variant allele, 1 heterozygote.

Literature cited by the submitters: PubMed 26284319 (cited by Women's Health and Genetics/Laboratory Corporation of America, LabCorp and Illumina Laboratory Services, Illumina); PubMed 18252861 (cited by Illumina Laboratory Services, Illumina).

NM_004560.4(ROR2):c.1583G>A (p.Arg528Gln)

Gene: ROR2 (ROR family WNT receptor 2; minus strand). Cytogenetic location: 9q22.31.
Variant type: single nucleotide variant.
Coding change: c.1583G>A on transcript NM_004560.4 (MANE Select); coding-DNA position 1583, G replaced by A.
Protein change: p.Arg528Gln; replaces arginine 528 with glutamine.
Molecular consequence: missense variant.
Genome position (GRCh38, 1-based): chr9:91,724,911, C>T on the plus strand (G>A on the coding strand, the complement: ROR2 is on the minus strand). VCF-style: chr9-91724911-C-T. GRCh37 (hg19) VCF-style: chr9-94487193-C-T.
Other names: short protein forms R528Q.
Identifiers: ClinVar variation 499909 (VCV000499909.22), dbSNP rs142215888, ClinGen allele CA5120642.